The following is an entry in ClinVar:

ClinVar aggregate classification (germline): Uncertain significance. Review status: criteria provided, multiple submitters, no conflicts (2 of 4 stars). 3 submissions from 3 submitters: Uncertain significance (3). Last evaluated 2024-12-15.

Conditions:
Autosomal dominant nonsyndromic hearing loss 20. Identifiers: Orphanet 90635, MedGen C1858172, MONDO:0011480, OMIM 604717.
Baraitser-winter syndrome 2. Identifiers: Orphanet 2995, MedGen C3281235, MONDO:0013812, OMIM 614583.

Allele frequency attached by ClinVar (database versions not stated): gnomAD exomes 0.00002; TOPMed 0.00002; gnomAD 0.00003; ExAC 0.00004.

Submissions (3):

Laboratory of Prof. Karen Avraham, Tel Aviv University
Classification: Uncertain significance for Autosomal dominant nonsyndromic hearing loss 20. Last evaluated: 2024-12-15. Review status: criteria provided, single submitter. Criteria: ACMG Guidelines, 2015. Collection method: research. Allele origin: germline. Affected: yes. Observed: 1 variant allele.
Comment: The ACTG1 c.692C>T:p.(Ala231Val) variant is predicted deleterious by most prediction tools and is very rare, with the highest prevalence among Ashkenazi Jews, suggesting a founder effect in this population. There are many known dominant missense pathogenic variants in the same region of the gene.

Fulgent Genetics
Classification: Uncertain significance for Autosomal dominant nonsyndromic hearing loss 20; Baraitser-winter syndrome 2. Last evaluated: 2024-01-12. Review status: criteria provided, single submitter. Criteria: ACMG Guidelines, 2015. Collection method: clinical testing. Allele origin: germline.

Labcorp Genetics (formerly Invitae), Labcorp
Classification: Uncertain significance for Baraitser-winter syndrome 2; Autosomal dominant nonsyndromic hearing loss 20. Last evaluated: 2021-12-08. Review status: criteria provided, single submitter. Criteria: Invitae Variant Classification Sherloc (09022015). Collection method: clinical testing. Allele origin: germline.
Comment: This variant has not been reported in the literature in individuals affected with ACTG1-related conditions. This sequence change replaces alanine, which is neutral and non-polar, with valine, which is neutral and non-polar, at codon 231 of the ACTG1 protein (p.Ala231Val). This variant is present in population databases (rs782069591, gnomAD 0.08%). Algorithms developed to predict the effect of missense changes on protein structure and function are either unavailable or do not agree on the potential impact of this missense change (SIFT: "Deleterious"; PolyPhen-2: "Probably Damaging"; Align-GVGD: "Class C0"). In summary, the available evidence is currently insufficient to determine the role of this variant in disease. Therefore, it has been classified as a Variant of Uncertain Significance.

NM_001614.5(ACTG1):c.692C>T (p.Ala231Val)

Gene: ACTG1 (actin gamma 1; minus strand). Cytogenetic location: 17q25.3.
Variant type: single nucleotide variant.
Coding change: c.692C>T on transcript NM_001614.5 (MANE Select); coding-DNA position 692, C replaced by T.
Protein change: p.Ala231Val; replaces alanine 231 with valine.
Molecular consequence: missense variant. On other transcripts: non-coding transcript variant (1).
Genome position (GRCh38, 1-based): chr17:81,511,298, G>A on the plus strand (C>T on the coding strand, the complement: ACTG1 is on the minus strand). VCF-style: chr17-81511298-G-A. GRCh37 (hg19) VCF-style: chr17-79478324-G-A.
Other names: DFNA26; c.692C>T (NM_001199954.2); c.692C>T, p.Ala231Val (NM_001199954.3); short protein forms A231V.
Identifiers: ClinVar variation 2037789 (VCV002037789.6), dbSNP rs782069591, ClinGen allele CA8836017.
Genomic context (GRCh38, chr17:81,511,298, plus strand): 5'-CCAATGGTGATGACCTGGCCATCGGGCAGCTCGTAGCTCTTCTCCAGAGAAGAGGAGGAT[G>A]CGGCGGTGGCCATCTCCTGCTCGAAGTCCAGGGCGACGTAGCACAGCTTCTCCTTGATGT-3'
Protein context (NP_001605.1, residues 221-241): LDFEQEMATA[Ala231Val]SSSSLEKSYE